The following is an entry in ClinVar:

ClinVar aggregate classification (germline): Pathogenic/Likely pathogenic. Review status: criteria provided, multiple submitters, no conflicts (2 of 4 stars). 2 submissions from 2 submitters: Pathogenic (1); Likely pathogenic (1). Last evaluated 2023-09-08.

Conditions:
Hermansky-Pudlak syndrome 5 (HPS5). Identifiers: Orphanet 231512, Orphanet 79430, MedGen C3888004, MONDO:0013557, OMIM 614074.

Submissions (2):

Labcorp Genetics (formerly Invitae), Labcorp
Classification: Pathogenic. Last evaluated: 2023-09-08. Review status: criteria provided, single submitter. Criteria: Invitae Variant Classification Sherloc (09022015). Collection method: clinical testing. Allele origin: germline.
Comment: For these reasons, this variant has been classified as Pathogenic. ClinVar contains an entry for this variant (Variation ID: 1405318). This variant has not been reported in the literature in individuals affected with HPS5-related conditions. This variant is present in population databases (rs746844529, gnomAD 0.02%). This sequence change creates a premature translational stop signal (p.Arg693Glyfs*4) in the HPS5 gene. It is expected to result in an absent or disrupted protein product. Loss-of-function variants in HPS5 are known to be pathogenic (PMID: 12548288, 15296495, 21833017, 26785811).

Fulgent Genetics
Classification: Likely pathogenic for Hermansky-Pudlak syndrome 5. Last evaluated: 2021-09-27. Review status: criteria provided, single submitter. Criteria: ACMG Guidelines, 2015. Collection method: clinical testing. Allele origin: unknown.

Literature cited by the submitters: PubMed 12548288 (cited by Labcorp Genetics (formerly Invitae), Labcorp); PubMed 15296495 (cited by Labcorp Genetics (formerly Invitae), Labcorp); PubMed 21833017 (cited by Labcorp Genetics (formerly Invitae), Labcorp); PubMed 26785811 (cited by Labcorp Genetics (formerly Invitae), Labcorp).

NM_181507.2(HPS5):c.2077del (p.Arg693fs)

Gene: HPS5 (HPS5 biogenesis of lysosomal organelles complex 2 subunit 2; minus strand). Cytogenetic location: 11p15.1.
Variant type: Deletion.
Coding change: c.2077del on transcript NM_181507.2 (MANE Select); coding-DNA position 2077, one base deleted (A; older notation c.2077delA).
Protein change: p.Arg693fs; shifts the reading frame from arginine 693.
Molecular consequence: frameshift variant.
Genome position (GRCh38, 1-based): chr11:18,291,805, T deleted on the plus strand (A on the coding strand, the reverse complement: HPS5 is on the minus strand); the first of 6 consecutive T bases (chr11:18,291,805-18,291,810); deleting any one gives the same sequence. VCF-style (leftmost placement, unchanged base first): chr11-18291804-CT-C. GRCh37 (hg19) VCF-style: chr11-18313351-CT-C.
Other names: c.1735del, p.Arg579fs (NM_007216.4); c.1730delA, p.Arg579Glyfs (NM_181508.2); short protein forms R579fs, R693fs.
Identifiers: ClinVar variation 1405318 (VCV001405318.7), dbSNP rs746844529, ClinGen allele CA5909928.